The following is an entry in ClinVar:

NM_001277115.2(DNAH11):c.11732G>C (p.Arg3911Thr)

Gene: DNAH11 (dynein axonemal heavy chain 11; plus strand). Cytogenetic location: 7p15.3.
Variant type: single nucleotide variant.
Coding change: c.11732G>C on transcript NM_001277115.2 (MANE Select); coding-DNA position 11732, G replaced by C.
Protein change: p.Arg3911Thr; replaces arginine 3911 with threonine.
Molecular consequence: missense variant.
Genome position (GRCh38, 1-based): chr7:21,867,900, G>C. VCF-style: chr7-21867900-G-C. GRCh37 (hg19) VCF-style: chr7-21907518-G-C.
Other names: c.11753G>C, p.Arg3918Thr (NM_003777.3); short protein forms R3911T, R3918T.
Identifiers: ClinVar variation 2628518 (VCV002628518.1), dbSNP rs778912908, ClinGen allele CA4182856.
Genomic context (GRCh38, chr7:21,867,900, plus strand): 5'-ATATTCTTGTTTTTTATAGAAATTTTGTAGAGGAAAAACTGGGTGCGAAGTATGTGGAGA[G>C]GACCAGATTGGACTTAGTTAAAGCATTCGAAGAAAGCAGCCCAGCCACCCCCATATTCTT-3'
Protein context (NP_001264044.1, residues 3901-3921): EEKLGAKYVE[Arg3911Thr]TRLDLVKAFE

ClinVar aggregate classification (germline): Uncertain significance (1 of 4 stars; one submission).

Conditions:
DNAH11-related disorder. Also called: DNAH11-related condition.

Allele frequency attached by ClinVar (database versions not stated): gnomAD 0.00002; ExAC 0.00003.

Submission:

PreventionGenetics, part of Exact Sciences
Classification: Uncertain significance for DNAH11-related condition. Last evaluated: 2023-01-05. Review status: criteria provided, single submitter. Criteria: ACMG Guidelines, 2015. Collection method: clinical testing. Allele origin: germline.
Comment: The DNAH11 c.11732G>C variant is predicted to result in the amino acid substitution p.Arg3911Thr. To our knowledge, this variant has not been reported in the literature. This variant is reported in 0.019% of alleles in individuals of African descent in gnomAD. At this time, the clinical significance of this variant is uncertain due to the absence of conclusive functional and genetic evidence.